The following is an entry in ClinVar:

NM_000093.5(COL5A1):c.787-15G>A

Gene: COL5A1 (collagen type V alpha 1 chain; plus strand). Cytogenetic location: 9q34.3.
Variant type: single nucleotide variant.
Coding change: c.787-15G>A on transcript NM_000093.5 (MANE Select); 15 bases into the intron before coding-DNA position 787, G replaced by A.
Molecular consequence: intron variant.
Genome position (GRCh38, 1-based): chr9:134,728,655, G>A. VCF-style: chr9-134728655-G-A. GRCh37 (hg19) VCF-style: chr9-137620501-G-A.
Other names: c.787-15G>A (NM_001278074.1).
Identifiers: ClinVar variation 136924 (VCV000136924.15), dbSNP rs150200872, ClinGen allele CA290344.

ClinVar aggregate classification (germline): Conflicting classifications of pathogenicity. Review status: criteria provided, conflicting classifications (1 of 4 stars). 6 submissions from 6 submitters: Uncertain significance (1); Benign (5). Last evaluated 2026-02-04.

Conditions:
Ehlers-Danlos syndrome, classic type, 1 (EDSCL1). Also called: Ehlers-Danlos syndrome, type 1; EHLERS-DANLOS SYNDROME, GRAVIS TYPE; EHLERS-DANLOS SYNDROME, SEVERE CLASSIC TYPE; Ehlers-Danlos Syndrome, Classic Type, COL5A1-Related; EDS I. Identifiers: MedGen C0268335, MONDO:0019567, OMIM 130000.
Ehlers-Danlos syndrome, classic type (cEDS). Identifiers: Orphanet 287, MedGen C4225429, MONDO:0007522.

Allele frequency attached by ClinVar (database versions not stated): TOPMed 0.00665; ESP Exome Variant Server 0.00669; gnomAD 0.00704; gnomAD exomes 0.02092; ExAC 0.02275; 1000 Genomes Project 30x 0.03045; 1000 Genomes Project 0.03115.
gnomAD v4.1: 24,556 of 1,613,746 alleles (1.5%); highest among the groups gnomAD compares: South Asian, 11%; 776 homozygotes.

Submissions (6):

Labcorp Genetics (formerly Invitae), Labcorp
Classification: Benign for Ehlers-Danlos syndrome, classic type, 1. Last evaluated: 2026-02-04. Review status: criteria provided, single submitter. Criteria: Invitae Variant Classification Sherloc (09022015). Collection method: clinical testing. Allele origin: germline.

Blueprint Genetics
Classification: Benign. Last evaluated: 2024-11-27. Review status: criteria provided, single submitter. Criteria: ACMG Guidelines, 2015. Collection method: clinical testing. Allele origin: germline.

Women's Health and Genetics/Laboratory Corporation of America, LabCorp
Classification: Benign. Last evaluated: 2017-03-15. Review status: criteria provided, single submitter. Criteria: LabCorp Variant Classification Summary - May 2015. Collection method: clinical testing. Allele origin: germline.
Comment: Variant summary: The COL5A1 c.787-15G>A variant involves the alteration of a non-conserved intronic nucleotide. One in silico tool predicts a benign outcome for this variant. 5/5 splice prediction tools predict no significant impact on normal splicing. However, these predictions have yet to be confirmed by functional studies. This variant was found in 2755/121118 control chromosomes (144 homozygotes) at a frequency of 0.0227464, which is approximately 18197 times the estimated maximal expected allele frequency of a pathogenic COL5A1 variant (0.0000013), suggesting this variant is likely a benign polymorphism. In addition, multiple clinical diagnostic laboratories/reputable databases classified this variant as likely benign/benign. Taken together, this variant is classified as benign.

Center for Human Genetics, Inc
Classification: Uncertain significance for Ehlers-Danlos syndrome, classic type, 1. Last evaluated: 2016-11-01. Review status: criteria provided, single submitter. Criteria: ACMG Guidelines, 2015. Collection method: clinical testing. Allele origin: germline. Affected: yes.

GeneDx
Classification: Benign. Last evaluated: 2012-11-16. Review status: criteria provided, single submitter. Criteria: GeneDx Variant Classification (06012015). Collection method: clinical testing. Allele origin: germline. Affected: yes.
Comment: This variant is considered likely benign or benign based on one or more of the following criteria: it is a conservative change, it occurs at a poorly conserved position in the protein, it is predicted to be benign by multiple in silico algorithms, and/or has population frequency not consistent with disease.

PreventionGenetics, part of Exact Sciences
Classification: Benign. Review status: criteria provided, single submitter. Criteria: ACMG Guidelines, 2015. Collection method: clinical testing. Allele origin: germline.

Literature cited by the submitters: PubMed 24685354 (cited by Women's Health and Genetics/Laboratory Corporation of America, LabCorp).